The following is an entry in ClinVar:

NM_002532.6(NUP88):c.2198A>G (p.Asn733Ser)

Genes: NUP88 (nucleoporin 88; minus strand), RABEP1 (rabaptin, RAB GTPase binding effector protein 1; plus strand). Cytogenetic location: 17p13.2.
Variant type: single nucleotide variant.
Coding change: c.2198A>G on transcript NM_002532.6 (MANE Select); coding-DNA position 2198, A replaced by G.
Protein change: p.Asn733Ser; replaces asparagine 733 with serine.
Molecular consequence: missense variant. On other transcripts: 3 prime UTR variant (3).
Genome position (GRCh38, 1-based): chr17:5,386,234, T>C on the plus strand (A>G on the coding strand, the complement: NUP88 is on the minus strand). VCF-style: chr17-5386234-T-C. GRCh37 (hg19) VCF-style: chr17-5289554-T-C.
Other names: c.2246A>G, p.Asn749Ser (NM_001320653.2); c.*3011T>C (NM_001083585.3, NM_001291581.2, NM_004703.6); short protein forms N733S, N749S.
Identifiers: ClinVar variation 2647295 (VCV002647295.25), dbSNP rs61753103, ClinGen allele CA8323943.

ClinVar aggregate classification (germline): Likely benign. Review status: criteria provided, single submitter (1 of 4 stars). 2 submissions from 2 submitters: Likely benign (1). 1 of the submissions does not count toward it. Last evaluated 2026-09-01.

Conditions:
NUP88-related disorder. Also called: NUP88-related condition.

Allele frequency attached by ClinVar (database versions not stated): 1000 Genomes Project 0.00359; 1000 Genomes Project 30x 0.00375; TOPMed 0.00597; gnomAD 0.00598; ESP Exome Variant Server 0.00692; ExAC 0.00703; gnomAD exomes 0.00803.
gnomAD v4.1: 12,570 of 1,613,434 alleles (0.78%); highest among the groups gnomAD compares: Non-Finnish European, 0.94%; 69 homozygotes.

Submissions (2):

CeGaT Center for Human Genetics Tuebingen
Classification: Likely benign. Last evaluated: 2026-09-01. Review status: criteria provided, single submitter. Criteria: CeGaT Center For Human Genetics Tuebingen Variant Classification Criteria Version 2. Collection method: clinical testing. Allele origin: germline. Affected: yes. Observed: 8 variant alleles.
Comment: NUP88: BS2; RABEP1: BS2

PreventionGenetics, part of Exact Sciences
Classification: Benign for NUP88-related condition. Last evaluated: 2019-08-21. Review status: no assertion criteria provided. Collection method: clinical testing. Allele origin: germline. Not counted in ClinVar's aggregate classification.
Comment: This variant is classified as benign based on ACMG/AMP sequence variant interpretation guidelines (Richards et al. 2015 PMID: 25741868, with internal and published modifications).